The following is an entry in ClinVar:

ClinVar aggregate classification (germline): Benign. Review status: criteria provided, multiple submitters, no conflicts (2 of 4 stars). 3 submissions from 2 submitters: Benign (3). Last evaluated 2018-01-13.

Conditions:
GM1 gangliosidosis. Identifiers: Orphanet 354, MedGen C0085131, MONDO:0018149.
Mucopolysaccharidosis, MPS-IV-B (MPS4B). Also called: Mucopolysaccharidosis type IV B; Mucopolysaccharidosis Type IVB (Morquio B Disease); Mucopolysaccharidosis type 4B; Mucopolysaccharidosis type IVB (Morquio); MPS IVB; Mucopolysaccharidosis Type IVB. Identifiers: Orphanet 309310, Orphanet 582, MedGen C0086652, MONDO:0009660, OMIM 253010.

Allele frequency attached by ClinVar (database versions not stated): TOPMed 0.00785; 1000 Genomes Project 30x 0.00859; ESP Exome Variant Server 0.00664; 1000 Genomes Project 0.00719.
gnomAD v4.1: 2,209 of 1,608,376 alleles (0.14%); highest among the groups gnomAD compares: African/African-American, 2.5%; 39 homozygotes.

Submissions (3):

Illumina Laboratory Services, Illumina
Classification: Benign for GM1 gangliosidosis. Last evaluated: 2018-01-13. Review status: criteria provided, single submitter. Criteria: ICSL Variant Classification Criteria 13 December 2019. Collection method: clinical testing. Allele origin: germline.
Comment: This variant was observed in the ICSL laboratory as part of a predisposition screen in an ostensibly healthy population. It had not been previously curated by ICSL or reported in the Human Gene Mutation Database (HGMD: prior to June 1st, 2018), and was therefore a candidate for classification through an automated scoring system. Utilizing variant allele frequency, disease prevalence and penetrance estimates, and inheritance mode, an automated score was calculated to assess if this variant is too frequent to cause the disease. Based on the score and internal cut-off values, a variant classified as benign is not then subjected to further curation. The score for this variant resulted in a classification of benign for this disease.

Illumina Laboratory Services, Illumina
Classification: Benign for Mucopolysaccharidosis, MPS-IV-B. Last evaluated: 2018-01-13. Review status: criteria provided, single submitter. Criteria: ICSL Variant Classification Criteria 13 December 2019. Collection method: clinical testing. Allele origin: germline.
Comment: the same text as in the submission from Illumina Laboratory Services, Illumina above.

Eurofins Ntd Llc (ga)
Classification: Benign. Last evaluated: 2017-01-31. Review status: criteria provided, single submitter. Criteria: EGL Classification Definitions 2015. Collection method: clinical testing. Allele origin: germline. Observed: 1 variant allele, 1 heterozygote.

NM_000404.4(GLB1):c.-37C>G

Genes: GLB1 (galactosidase beta 1; minus strand), TMPPE (transmembrane protein with metallophosphoesterase domain; minus strand), LOC129936434 (ATAC-STARR-seq lymphoblastoid silent region 14182; plus strand). Cytogenetic location: 3p22.3.
Variant type: single nucleotide variant.
Coding change: c.-37C>G on transcript NM_000404.4 (MANE Select); 37 bases upstream of the start codon, C replaced by G.
Molecular consequence: 5 prime UTR variant.
Genome position (GRCh38, 1-based): chr3:33,097,122, G>C on the plus strand (C>G on the coding strand, the complement: GLB1 is on the minus strand). VCF-style: chr3-33097122-G-C. GRCh37 (hg19) VCF-style: chr3-33138614-G-C.
Other names: c.-37C>G (NM_001135602.3, NM_001317040.2, NM_001393580.1); c.-512C>G (NM_001039770.3); c.-408C>G (NM_001136238.2).
Identifiers: ClinVar variation 344799 (VCV000344799.9), dbSNP rs115554377, ClinGen allele CA2300156.
Genomic context (GRCh38, chr3:33,097,122, plus strand): 5'-GATGCGAACCAGGAACCCCGGCATGACCACCAGCCTCCCGGCTCTGCAGTCGGCGCCCAG[G>C]CCGGCCGCTTCGCGTCACTTGACTAAGGACCCACGGCCTGGCACCGCCCCTCGTCGGCCC-3'